The following is an entry in ClinVar:

NM_001369.3(DNAH5):c.4766T>A (p.Leu1589Ter)

Genes: DNAH5 (dynein axonemal heavy chain 5; minus strand), DNAH5-AS1 (DNAH5 antisense RNA 1; plus strand). Cytogenetic location: 5p15.2.
Variant type: single nucleotide variant.
Coding change: c.4766T>A on transcript NM_001369.3 (MANE Select); coding-DNA position 4766, T replaced by A.
Protein change: p.Leu1589Ter; replaces leucine 1589 with a stop codon.
Molecular consequence: nonsense.
Genome position (GRCh38, 1-based): chr5:13,862,578, A>T on the plus strand (T>A on the coding strand, the complement: DNAH5 is on the minus strand). VCF-style: chr5-13862578-A-T. GRCh37 (hg19) VCF-style: chr5-13862687-A-T.
Other names: short protein forms L1589*.
Identifiers: ClinVar variation 4814893 (VCV004814893.1).

ClinVar aggregate classification (germline): Likely pathogenic (1 of 4 stars; one submission).

Conditions:
Primary ciliary dyskinesia. Also called: Ciliary dyskinesia. Identifiers: Orphanet 244, MedGen C0008780, MONDO:0016575, HP:0012265.

Submission:

Natera, Inc.
Classification: Likely pathogenic for Primary ciliary dyskinesia. Last evaluated: 2024-09-16. Review status: criteria provided, single submitter. Criteria: Natera Variant Classification Schema (03/2026). Collection method: clinical testing. Allele origin: germline.
Comment: The c.4766T>A variant in DNAH5 is a nonsense variant predicted to introduce a stop codon at amino acid 1589. This variant is expected to result in nonsense mediated decay, truncation, or a dysfunctional protein product. This variant is rare in the general population with a frequency below the threshold expected for the associated phenotype(s). Given the available evidence, this variant is classified as Likely Pathogenic.